The following is an entry in ClinVar:

NM_001082538.3(TCTN1):c.1284del (p.Thr429fs)

Gene: TCTN1 (tectonic family member 1; plus strand). Cytogenetic location: 12q24.11.
Variant type: Deletion.
Coding change: c.1284del on transcript NM_001082538.3 (MANE Select); coding-DNA position 1284, one base deleted (G; older notation c.1284delG).
Protein change: p.Thr429fs; shifts the reading frame from threonine 429.
Molecular consequence: frameshift variant. On other transcripts: intron variant (2).
Genome position (GRCh38, 1-based): chr12:110,642,342, G deleted; the last of 2 consecutive G bases (chr12:110,642,341-110,642,342); deleting either gives the same sequence. VCF-style (leftmost placement, unchanged base first): chr12-110642340-CG-C. GRCh37 (hg19) VCF-style: chr12-111080145-CG-C.
Other names: c.1284del, p.Thr429fs (NM_001082537.3); c.1116del, p.Thr373fs (NM_001173975.3); c.750del, p.Thr251fs (NM_001319681.2); c.1242del, p.Thr415fs (NM_024549.6); c.1010+715del (NM_001173976.2); c.1190+715del (NM_001319680.2); short protein forms T251fs, T373fs, T415fs, T429fs.
Identifiers: ClinVar variation 1683275 (VCV001683275.1), dbSNP rs1566003392, ClinGen allele CA607324275.
Genomic context (GRCh38, chr12:110,642,340, plus strand): 5'-GGACAGCTTACTATTCTTCATAGCACAACTGAGCAAGACTGCTTAGCACTGGAGGGGGTC[CG>C]GACCCCAGTATTATTTGGTTACACTATGCAATCTGGCTGTAAACTAAGGTAAAAGAGTCA-3'

ClinVar aggregate classification (germline): Likely pathogenic (1 of 4 stars; one submission).

Conditions:
Joubert syndrome and related disorders. Identifiers: Orphanet 140874, MedGen C5679612, MONDO:0015369.

Submission:

Women's Health and Genetics/Laboratory Corporation of America, LabCorp
Classification: Likely pathogenic for Joubert syndrome and related disorders. Last evaluated: 2022-04-07. Review status: criteria provided, single submitter. Criteria: LabCorp Variant Classification Summary - May 2015. Collection method: clinical testing. Allele origin: germline.
Comment: Variant summary: TCTN1 c.1284delG (p.Thr429ProfsX15) results in a premature termination codon, predicted to cause a truncation of the encoded protein or absence of the protein due to nonsense mediated decay, which are commonly known mechanisms for disease. Truncations downstream of this position have been classified as pathogenic in ClinVar (e.g. c.1527del [p.Ala511fs], c.1454G>A [p.Trp485Ter]). The variant allele was found at a frequency of 4e-06 in 249568 control chromosomes (gnomAD). To our knowledge, no occurrence of c.1284delG in individuals affected with Joubert Syndrome And Related Disorders and no experimental evidence demonstrating its impact on protein function have been reported. No clinical diagnostic laboratories have submitted clinical-significance assessments for this variant to ClinVar after 2014. Based on the evidence outlined above, the variant was classified as likely pathogenic.